The following is an entry in ClinVar:

NM_003743.5(NCOA1):c.766A>G (p.Ile256Val)

Gene: NCOA1 (nuclear receptor coactivator 1; plus strand). Cytogenetic location: 2p23.3.
Variant type: single nucleotide variant.
Coding change: c.766A>G on transcript NM_003743.5 (MANE Select); coding-DNA position 766, A replaced by G.
Protein change: p.Ile256Val; replaces isoleucine 256 with valine.
Molecular consequence: missense variant.
Genome position (GRCh38, 1-based): chr2:24,693,305, A>G. VCF-style: chr2-24693305-A-G. GRCh37 (hg19) VCF-style: chr2-24916174-A-G.
Other names: c.766A>G, p.Ile256Val (NM_001362950.1, NM_001362952.1, NM_001362954.1 and 3 more transcripts); short protein forms I256V.
Identifiers: ClinVar variation 4986832 (VCV004986832.1).

ClinVar aggregate classification (germline): Uncertain significance (1 of 4 stars; one submission).

Conditions:
NCOA1-related disorder. Also called: NCOA1-related condition.

gnomAD v4.1: 49 of 1,614,094 alleles (0.003%); highest among the groups gnomAD compares: East Asian, 0.02%; no homozygotes.

Submission:

PreventionGenetics, part of Exact Sciences
Classification: Uncertain significance for NCOA1-related condition. Last evaluated: 2025-01-29. Review status: criteria provided, single submitter. Criteria: ACMG Guidelines, 2015. Collection method: clinical testing. Allele origin: germline.
Comment: The NCOA1 c.766A>G variant is predicted to result in the amino acid substitution p.Ile256Val. To our knowledge, this variant has not been reported in the literature. This variant is reported in 0.0054% of alleles in individuals of East Asian descent in gnomAD. At this time, the clinical significance of this variant is uncertain due to the absence of conclusive functional and genetic evidence.